The following is an entry in ClinVar:

NM_001103.4(ACTN2):c.1370G>A (p.Arg457His)

Gene: ACTN2 (actinin alpha 2; plus strand). Cytogenetic location: 1q43.
Variant type: single nucleotide variant.
Coding change: c.1370G>A on transcript NM_001103.4 (MANE Select); coding-DNA position 1370, G replaced by A.
Protein change: p.Arg457His; replaces arginine 457 with histidine.
Molecular consequence: missense variant.
Genome position (GRCh38, 1-based): chr1:236,744,740, G>A. VCF-style: chr1-236744740-G-A. GRCh37 (hg19) VCF-style: chr1-236908040-G-A.
Other names: c.1370G>A, p.Arg457His (NM_001278343.2); c.746G>A, p.Arg249His (NM_001278344.2); short protein forms R249H, R457H.
Identifiers: ClinVar variation 874394 (VCV000874394.10), dbSNP rs781559530, ClinGen allele CA1473132.

ClinVar aggregate classification (germline): Uncertain significance. Review status: criteria provided, multiple submitters, no conflicts (2 of 4 stars). 2 submissions from 2 submitters: Uncertain significance (2). Last evaluated 2023-05-08.

Conditions:
Primary familial hypertrophic cardiomyopathy (HCM). Identifiers: Orphanet 99739, MedGen C0949658, MeSH D024741, MONDO:0024573. Inheritance: Various modes of inheritance.
Dilated cardiomyopathy 1AA (CMD1AA). Also called: Cardiomyopathy, dilated, 1AA, with or without LVNC; CARDIOMYOPATHY, DILATED, 1AA, WITH OR WITHOUT LEFT VENTRICULAR NONCOMPACTION; CARDIOMYOPATHY, FAMILIAL HYPERTROPHIC, 23, WITH OR WITHOUT LEFT VENTRICULAR NONCOMPACTION. Identifiers: Orphanet 154, MedGen C2677338, MONDO:0012808, OMIM 612158.

Allele frequency attached by ClinVar (database versions not stated): gnomAD below 0.00001 and 0.00001; TOPMed 0.00001.

Submissions (2):

Labcorp Genetics (formerly Invitae), Labcorp
Classification: Uncertain significance for Primary familial hypertrophic cardiomyopathy; Dilated cardiomyopathy 1AA. Last evaluated: 2023-05-08. Review status: criteria provided, single submitter. Criteria: Invitae Variant Classification Sherloc (09022015). Collection method: clinical testing. Allele origin: germline.
Comment: In summary, the available evidence is currently insufficient to determine the role of this variant in disease. Therefore, it has been classified as a Variant of Uncertain Significance. Advanced modeling of protein sequence and biophysical properties (such as structural, functional, and spatial information, amino acid conservation, physicochemical variation, residue mobility, and thermodynamic stability) performed at Invitae indicates that this missense variant is expected to disrupt ACTN2 protein function. This sequence change replaces arginine, which is basic and polar, with histidine, which is basic and polar, at codon 457 of the ACTN2 protein (p.Arg457His). This variant is present in population databases (rs781559530, gnomAD 0.006%). This variant has not been reported in the literature in individuals affected with ACTN2-related conditions. ClinVar contains an entry for this variant (Variation ID: 874394).

Illumina Laboratory Services, Illumina
Classification: Uncertain significance for Dilated cardiomyopathy 1AA. Last evaluated: 2018-01-13. Review status: criteria provided, single submitter. Criteria: ICSL Variant Classification Criteria 13 December 2019. Collection method: clinical testing. Allele origin: germline.